The following is an entry in ClinVar:

ClinVar aggregate classification (germline): Uncertain significance (1 of 4 stars; one submission).

Conditions:
Autosomal recessive polycystic kidney disease (ARPKD). Also called: AR polycystic kidney disease. Identifiers: Orphanet 731, Orphanet 8378, MedGen C0085548, MeSH D017044, MONDO:0009889.

Allele frequency attached by ClinVar (database versions not stated): gnomAD exomes below 0.00001; ExAC 0.00001.

Submission:

Labcorp Genetics (formerly Invitae), Labcorp
Classification: Uncertain significance for Autosomal recessive polycystic kidney disease. Last evaluated: 2024-01-02. Review status: criteria provided, single submitter. Criteria: Invitae Variant Classification Sherloc (09022015). Collection method: clinical testing. Allele origin: germline.
Comment: This sequence change replaces alanine, which is neutral and non-polar, with threonine, which is neutral and polar, at codon 3966 of the PKHD1 protein (p.Ala3966Thr). This variant is present in population databases (rs752845771, gnomAD 0.0009%). This variant has not been reported in the literature in individuals affected with PKHD1-related conditions. ClinVar contains an entry for this variant (Variation ID: 2421733). Advanced modeling of protein sequence and biophysical properties (such as structural, functional, and spatial information, amino acid conservation, physicochemical variation, residue mobility, and thermodynamic stability) performed at Invitae indicates that this missense variant is not expected to disrupt PKHD1 protein function with a negative predictive value of 95%. In summary, the available evidence is currently insufficient to determine the role of this variant in disease. Therefore, it has been classified as a Variant of Uncertain Significance.

NM_138694.4(PKHD1):c.11896G>A (p.Ala3966Thr)

Gene: PKHD1 (PKHD1 ciliary IPT domain containing fibrocystin/polyductin; minus strand). Cytogenetic location: 6p12.3.
Variant type: single nucleotide variant.
Coding change: c.11896G>A on transcript NM_138694.4 (MANE Select); coding-DNA position 11896, G replaced by A.
Protein change: p.Ala3966Thr; replaces alanine 3966 with threonine.
Molecular consequence: missense variant.
Genome position (GRCh38, 1-based): chr6:51,619,410, C>T on the plus strand (G>A on the coding strand, the complement: PKHD1 is on the minus strand). VCF-style: chr6-51619410-C-T. GRCh37 (hg19) VCF-style: chr6-51484208-C-T.
Other names: short protein forms A3966T.
Identifiers: ClinVar variation 2421733 (VCV002421733.7), dbSNP rs752845771, ClinGen allele CA3850663.